The following is an entry in ClinVar:

ClinVar aggregate classification (germline): Pathogenic (1 of 4 stars; one submission).

Conditions:
Alstrom syndrome (ALMS). Identifiers: Orphanet 64, MedGen C0268425, MONDO:0008763, OMIM 203800.

Submission:

Labcorp Genetics (formerly Invitae), Labcorp
Classification: Pathogenic for Alstrom syndrome. Last evaluated: 2025-02-13. Review status: criteria provided, single submitter. Criteria: Invitae Variant Classification Sherloc (09022015). Collection method: clinical testing. Allele origin: germline.
Comment: This sequence change creates a premature translational stop signal (p.Asn3952Glufs*7) in the ALMS1 gene. It is expected to result in an absent or disrupted protein product. Loss-of-function variants in ALMS1 are known to be pathogenic (PMID: 17594715). This variant is not present in population databases (gnomAD no frequency). This premature translational stop signal has been observed in individual(s) with Alstrom syndrome (PMID: 31755649). This variant is also known as c.11846dupA. For these reasons, this variant has been classified as Pathogenic.

Literature cited by the submitters: PubMed 17594715; PubMed 31755649.

NM_001378454.1(ALMS1):c.11849dup (p.Asn3951fs)

Gene: ALMS1 (ALMS1 centrosome and basal body associated protein; plus strand). Cytogenetic location: 2p13.1.
Variant type: Duplication.
Coding change: c.11849dup on transcript NM_001378454.1 (MANE Select); coding-DNA position 11849, one base duplicated (A; older notation c.11849dupA).
Protein change: p.Asn3951fs; shifts the reading frame from asparagine 3951.
Molecular consequence: frameshift variant.
Genome position (GRCh38, 1-based): chr2:73,600,858, A duplicated; the last of 6 consecutive A bases (chr2:73,600,853-73,600,858); duplicating any one gives the same sequence. VCF-style (leftmost placement, unchanged base first): chr2-73600852-T-TA. GRCh37 (hg19) VCF-style: chr2-73827979-T-TA.
Other names: c.11852dup, p.Asn3952fs (NM_015120.4); short protein forms N3951fs, N3952fs.
Identifiers: ClinVar variation 4694662 (VCV004694662.1).